The following is an entry in ClinVar:

ClinVar aggregate classification (germline): Uncertain significance. Review status: criteria provided, multiple submitters, no conflicts (2 of 4 stars). 2 submissions from 2 submitters: Uncertain significance (2). Last evaluated 2024-10-10.

Conditions:
Hereditary cancer-predisposing syndrome. Also called: Neoplastic Syndromes, Hereditary; Hereditary Cancer Syndrome; Tumor predisposition; Hereditary neoplastic syndrome. Identifiers: Orphanet 140162, MedGen C0027672, MeSH D009386, MONDO:0015356.
Neuroblastoma, susceptibility to, 3. Also called: ALK-Related Neuroblastic Tumor Susceptibility. Identifiers: Orphanet 635, MedGen C2751681, MONDO:0013083, OMIM 613014.

Submissions (2):

Ambry Genetics
Classification: Uncertain significance for Hereditary cancer-predisposing syndrome. Last evaluated: 2024-10-10. Review status: criteria provided, single submitter. Criteria: Ambry Variant Classification Scheme 2023. Collection method: clinical testing. Allele origin: germline.
Comment: The p.F1306L variant (also known as c.3916T>C), located in coding exon 26 of the ALK gene, results from a T to C substitution at nucleotide position 3916. The phenylalanine at codon 1306 is replaced by leucine, an amino acid with highly similar properties. This amino acid position is highly conserved in available vertebrate species. In addition, this alteration is predicted to be deleterious by in silico analysis. Based on the available evidence, the clinical significance of this variant remains unclear.

Labcorp Genetics (formerly Invitae), Labcorp
Classification: Uncertain significance for Neuroblastoma, susceptibility to, 3. Last evaluated: 2023-06-05. Review status: criteria provided, single submitter. Criteria: Invitae Variant Classification Sherloc (09022015). Collection method: clinical testing. Allele origin: germline.
Comment: This sequence change replaces phenylalanine, which is neutral and non-polar, with leucine, which is neutral and non-polar, at codon 1306 of the ALK protein (p.Phe1306Leu). In summary, the available evidence is currently insufficient to determine the role of this variant in disease. Therefore, it has been classified as a Variant of Uncertain Significance. An algorithm developed to predict the effect of missense changes on protein structure and function (PolyPhen-2) suggests that this variant is likely to be disruptive. ClinVar contains an entry for this variant (Variation ID: 2055091). This variant has not been reported in the literature in individuals affected with ALK-related conditions. This variant is not present in population databases (gnomAD no frequency).

NM_004304.5(ALK):c.3916T>C (p.Phe1306Leu)

Gene: ALK (ALK receptor tyrosine kinase; minus strand). Cytogenetic location: 2p23.2.
Variant type: single nucleotide variant.
Coding change: c.3916T>C on transcript NM_004304.5 (MANE Select); coding-DNA position 3916, T replaced by C.
Protein change: p.Phe1306Leu; replaces phenylalanine 1306 with leucine.
Molecular consequence: missense variant.
Genome position (GRCh38, 1-based): chr2:29,207,193, A>G on the plus strand (T>C on the coding strand, the complement: ALK is on the minus strand). VCF-style: chr2-29207193-A-G. GRCh37 (hg19) VCF-style: chr2-29430059-A-G.
Other names: c.712T>C, p.Phe238Leu (NM_001353765.2); c.3916T>C (NM_004304.4); short protein forms F1306L, F238L.
Identifiers: ClinVar variation 2055091 (VCV002055091.5), dbSNP rs2148151990, ClinGen allele CA346468558.